The following is an entry in ClinVar:

ClinVar aggregate classification (germline): Pathogenic. Review status: criteria provided, single submitter (1 of 4 stars). 2 submissions from 1 submitter: Pathogenic (2). Last evaluated 2024-12-26.

Conditions:
Marfan syndrome (MFS). Also called: Marfan syndrome, classic; Marfan syndrome type 1; Marfan's syndrome; MARFAN SYNDROME, TYPE I; FBN1-Related Marfan Syndrome. Identifiers: Orphanet 284963, Orphanet 558, MedGen C0024796, MONDO:0007947, OMIM 154700.
Familial thoracic aortic aneurysm and aortic dissection (TAAD). Also called: Thoracic aortic aneurysms and dissections. Identifiers: Orphanet 91387, MedGen C4707243, MONDO:0019625.

Submissions (2):

Labcorp Genetics (formerly Invitae), Labcorp
Classification: Pathogenic for Marfan syndrome; Familial thoracic aortic aneurysm and aortic dissection. Last evaluated: 2024-12-26. Review status: criteria provided, single submitter. Criteria: Invitae Variant Classification Sherloc (09022015). Collection method: clinical testing. Allele origin: germline.
Comment: This sequence change affects an acceptor splice site in intron 50 of the FBN1 gene. RNA analysis indicates that disruption of this splice site induces altered splicing and may result in an absent or altered protein product. This variant is not present in population databases (gnomAD no frequency). Disruption of this splice site has been observed in individuals with clinical features of Marfan syndrome (PMID: 16220557, 25613431; external communication, internal data). ClinVar contains an entry for this variant (Variation ID: 406308). Studies have shown that disruption of this splice site results in skipping of exon 50, and produces a non-functional protein and/or introduces a premature termination codon (PMID: 25613431). For these reasons, this variant has been classified as Pathogenic.

Labcorp Genetics (formerly Invitae), Labcorp
Classification: Pathogenic for Marfan syndrome. Last evaluated: 2016-06-17. Review status: criteria provided, single submitter. Criteria: Invitae Variant Classification Sherloc (09022015). Collection method: clinical testing. Allele origin: germline.
Comment: This sequence change affects an acceptor splice site in intron 50 of the FBN1 gene. It is expected to disrupt mRNA splicing and likely results in an absent or disrupted protein product. This variant is not present in population databases (ExAC no frequency). Loss-of-function variants in FBN1 are known to be pathogenic. This particular variant has been reported in the literature in individuals affected with Marfan syndrome (PMID: 16220557, 25613431). Experimental studies have shown that this acceptor splice site loss causes skipping of exon 50 (PMID: 25613431). For these reasons, this variant has been classified as Pathogenic.

Literature cited by the submitters: PubMed 16220557; PubMed 25613431.

NM_000138.5(FBN1):c.6164-1G>A

Gene: FBN1 (fibrillin 1; minus strand). Cytogenetic location: 15q21.1.
Variant type: single nucleotide variant.
Coding change: c.6164-1G>A on transcript NM_000138.5 (MANE Select); the canonical splice acceptor site of the intron before coding-DNA position 6164, G replaced by A.
Molecular consequence: splice acceptor variant.
Genome position (GRCh38, 1-based): chr15:48,437,918, C>T on the plus strand (G>A on the coding strand, the complement: FBN1 is on the minus strand). VCF-style: chr15-48437918-C-T. GRCh37 (hg19) VCF-style: chr15-48730115-C-T.
Other names: c.6164-1G>A (NM_001406716.1).
Identifiers: ClinVar variation 406308 (VCV000406308.7), dbSNP rs1060501048, ClinGen allele CA16614631.